The following is an entry in ClinVar:

ClinVar aggregate classification (germline): Uncertain significance (1 of 4 stars; one submission).

Conditions:
Dystonic disorder. Also called: Dystonia. Identifiers: MedGen C0013421, MONDO:0003441, HP:0001332.

gnomAD v4.1: 19 of 1,559,220 alleles (0.0012%); highest among the groups gnomAD compares: Non-Finnish European, 0.0017%; no homozygotes.

Submission:

Labcorp Genetics (formerly Invitae), Labcorp
Classification: Uncertain significance for Dystonic disorder. Last evaluated: 2025-01-23. Review status: criteria provided, single submitter. Criteria: Invitae Variant Classification Sherloc (09022015). Collection method: clinical testing. Allele origin: germline.
Comment: This sequence change replaces threonine, which is neutral and polar, with isoleucine, which is neutral and non-polar, at codon 437 of the ANO3 protein (p.Thr437Ile). This variant is present in population databases (no rsID available, gnomAD 0.0009%). This missense change has been observed in individual(s) with clinical features of ANO3-related conditions (internal data). Invitae Evidence Modeling of protein sequence and biophysical properties (such as structural, functional, and spatial information, amino acid conservation, physicochemical variation, residue mobility, and thermodynamic stability) has been performed for this missense variant. However, the output from this modeling did not meet the statistical confidence thresholds required to predict the impact of this variant on ANO3 protein function. In summary, the available evidence is currently insufficient to determine the role of this variant in disease. Therefore, it has been classified as a Variant of Uncertain Significance.

NM_031418.4(ANO3):c.1310C>T (p.Thr437Ile)

Gene: ANO3 (anoctamin 3; plus strand). Cytogenetic location: 11p14.2.
Variant type: single nucleotide variant.
Coding change: c.1310C>T on transcript NM_031418.4 (MANE Select); coding-DNA position 1310, C replaced by T.
Protein change: p.Thr437Ile; replaces threonine 437 with isoleucine.
Molecular consequence: missense variant.
Genome position (GRCh38, 1-based): chr11:26,553,269, C>T. VCF-style: chr11-26553269-C-T. GRCh37 (hg19) VCF-style: chr11-26574816-C-T.
Other names: c.1493C>T, p.Thr498Ile (NM_001313726.2); c.872C>T, p.Thr291Ile (NM_001313727.2); short protein forms T437I, T291I, T498I.
Identifiers: ClinVar variation 3631646 (VCV003631646.2).
Genomic context (GRCh38, chr11:26,553,269, plus strand): 5'-GCTATGTTTTGTTTTGTTTTTGTTTTTGTTTTTTCTCAAGCCAAGAAATTTGTAAAGCCA[C>T]TGAAGTCTTTATGTGCCCTCTCTGTGACAAGAACTGCTCCCTGCAGAGACTCAACGACAG-3'
Protein context (NP_113606.2, residues 427-447): SQVSQEICKA[Thr437Ile]EVFMCPLCDK